The following is an entry in ClinVar:

NM_021614.4(KCNN2):c.1116C>A (p.Tyr372Ter)

Gene: KCNN2 (potassium calcium-activated channel subfamily N member 2; plus strand). Cytogenetic location: 5q22.3.
Variant type: single nucleotide variant.
Coding change: c.1116C>A on transcript NM_021614.4 (MANE Select); coding-DNA position 1116, C replaced by A.
Protein change: p.Tyr372Ter; replaces tyrosine 372 with a stop codon.
Molecular consequence: nonsense.
Genome position (GRCh38, 1-based): chr5:114,363,255, C>A. VCF-style: chr5-114363255-C-A. GRCh37 (hg19) VCF-style: chr5-113698952-C-A.
Other names: Y160*; c.1314C>A, p.Tyr438Ter (NM_001372233.1); short protein forms Y372*, Y438*.
Identifiers: ClinVar variation 933142 (VCV000933142.3), dbSNP rs774833524, ClinGen allele CA360704004.

ClinVar aggregate classification (germline): Pathogenic. Review status: criteria provided, single submitter (1 of 4 stars). 3 submissions from 3 submitters: Pathogenic (1). 2 of the submissions do not count toward it. Last evaluated 2020-07-01.

Conditions:
Motor tics. Identifiers: MedGen C0751900, HP:0100034.
Severe intellectual disability. Identifiers: MedGen C0036857, HP:0010864.
Autistic behavior. Identifiers: MedGen C0856975, HP:0000729.
Global developmental delay (DD). Also called: Cognitive delay. Identifiers: MedGen C0557874, HP:0001263. Disease mechanism: loss of function.
Neurodevelopmental disorder with or without variable movement or behavioral abnormalities (NEDMAB). Identifiers: MedGen C5676908, MONDO:0859225, OMIM 619725.

Submissions (3):

Institute for Human Genetics, University Hospital Essen
Classification: Pathogenic for Global developmental delay; Severe intellectual disability; Autistic behavior; Motor tics. Last evaluated: 2020-07-01. Review status: criteria provided, single submitter. Criteria: ACMG Guidelines, 2015. Collection method: research. Allele origin: de novo. Affected: yes. Observed: 1 variant allele, 1 heterozygote.

Solve-RD Consortium
Classification: Likely pathogenic for Neurodevelopmental disorder with or without variable movement or behavioral abnormalities. Last evaluated: 2022-06-01. Review status: no assertion criteria provided. Collection method: provider interpretation. Allele origin: de novo. Affected: yes. Not counted in ClinVar's aggregate classification.
Comment: Variant confirmed as disease-causing by referring clinical team

Variant identified during reanalysis of unsolved cases by the Solve-RD project. The Solve-RD project has received funding from the European Union’s Horizon 2020 research and innovation programme under grant agreement No 779257.

OMIM
Classification: Pathogenic for NEURODEVELOPMENTAL DISORDER WITH OR WITHOUT VARIABLE MOVEMENT OR BEHAVIORAL ABNORMALITIES. Last evaluated: 2022-01-31. Review status: no assertion criteria provided. Collection method: literature only. Allele origin: germline. Not counted in ClinVar's aggregate classification.

Literature cited by the submitters: PubMed 39825153 (cited by Solve-RD Consortium); PubMed 33242881 (cited by OMIM).